The following is an entry in ClinVar:

NM_007215.4(POLG2):c.561C>A (p.His187Gln)

Genes: MILR1 (mast cell immunoglobulin like receptor 1; plus strand), POLG2 (DNA polymerase gamma 2, accessory subunit; minus strand). Cytogenetic location: 17q23.3.
Variant type: single nucleotide variant.
Coding change: c.561C>A on transcript NM_007215.4 (MANE Select); coding-DNA position 561, C replaced by A.
Protein change: p.His187Gln; replaces histidine 187 with glutamine.
Molecular consequence: missense variant.
Genome position (GRCh38, 1-based): chr17:64,496,408, G>T on the plus strand (C>A on the coding strand, the complement: POLG2 is on the minus strand). VCF-style: chr17-64496408-G-T. GRCh37 (hg19) VCF-style: chr17-62492526-G-T.
Other names: short protein forms H187Q.
Identifiers: ClinVar variation 4730844 (VCV004730844.1).

ClinVar aggregate classification (germline): Uncertain significance (1 of 4 stars; one submission).

Submission:

Labcorp Genetics (formerly Invitae), Labcorp
Classification: Uncertain significance. Last evaluated: 2025-11-09. Review status: criteria provided, single submitter. Criteria: Invitae Variant Classification Sherloc (09022015). Collection method: clinical testing. Allele origin: germline.
Comment: This sequence change replaces histidine, which is basic and polar, with glutamine, which is neutral and polar, at codon 187 of the POLG2 protein (p.His187Gln). This variant is not present in population databases (gnomAD no frequency). This variant has not been reported in the literature in individuals affected with POLG2-related conditions. An algorithm developed to predict the effect of missense changes on protein structure and function (PolyPhen-2) suggests that this variant is likely to be tolerated. In summary, the available evidence is currently insufficient to determine the role of this variant in disease. Therefore, it has been classified as a Variant of Uncertain Significance.